The following is an entry in ClinVar:

NM_014252.4(SLC25A15):c.225C>T (p.Ile75=)

Gene: SLC25A15 (solute carrier family 25 member 15; plus strand). Cytogenetic location: 13q14.11.
Variant type: single nucleotide variant.
Coding change: c.225C>T on transcript NM_014252.4 (MANE Select); coding-DNA position 225, C replaced by T.
Protein change: p.Ile75=; no amino-acid change (isoleucine 75 retained).
Molecular consequence: synonymous variant. On other transcripts: non-coding transcript variant (2).
Genome position (GRCh38, 1-based): chr13:40,799,226, C>T. VCF-style: chr13-40799226-C-T. GRCh37 (hg19) VCF-style: chr13-41373362-C-T.
Identifiers: ClinVar variation 312176 (VCV000312176.18), dbSNP rs765380976, ClinGen allele CA6959650.

ClinVar aggregate classification (germline): Conflicting classifications of pathogenicity. Review status: criteria provided, conflicting classifications (1 of 4 stars). 5 submissions from 5 submitters: Uncertain significance (1); Likely benign (3). 1 of the submissions does not count toward it. Last evaluated 2025-10-27.

Conditions:
Hyperornithinemia-hyperammonemia-homocitrullinuria syndrome (HHHS). Also called: HHH SYNDROME; Ornithine translocase deficiency. Identifiers: Orphanet 415, MedGen C0268540, MONDO:0009393, OMIM 238970.

Allele frequency attached by ClinVar (database versions not stated): gnomAD 0.00001; gnomAD exomes 0.00001 and 0.00004; ExAC 0.00002; TOPMed 0.00003.

Submissions (5):

Labcorp Genetics (formerly Invitae), Labcorp
Classification: Likely benign for Hyperornithinemia-hyperammonemia-homocitrullinuria syndrome. Last evaluated: 2025-10-27. Review status: criteria provided, single submitter. Criteria: Invitae Variant Classification Sherloc (09022015). Collection method: clinical testing. Allele origin: germline.

Blueprint Genetics
Classification: Likely benign. Last evaluated: 2023-10-26. Review status: criteria provided, single submitter. Criteria: ACMG Guidelines, 2015. Collection method: clinical testing. Allele origin: germline.

Illumina Laboratory Services, Illumina
Classification: Uncertain significance for Hyperornithinemia-hyperammonemia-homocitrullinuria syndrome. Last evaluated: 2018-01-13. Review status: criteria provided, single submitter. Criteria: ICSL Variant Classification Criteria 13 December 2019. Collection method: clinical testing. Allele origin: germline.

GeneDx
Classification: Likely benign. Last evaluated: 2017-03-28. Review status: criteria provided, single submitter. Criteria: GeneDx Variant Classification (06012015). Collection method: clinical testing. Allele origin: germline. Affected: yes.
Comment: This variant is considered likely benign or benign based on one or more of the following criteria: it is a conservative change, it occurs at a poorly conserved position in the protein, it is predicted to be benign by multiple in silico algorithms, and/or has population frequency not consistent with disease.

Natera, Inc.
Classification: Likely benign for Hyperornithinemia-hyperammonemia-homocitrullinuria syndrome. Last evaluated: 2020-02-09. Review status: no assertion criteria provided. Collection method: clinical testing. Allele origin: germline. Not counted in ClinVar's aggregate classification.